The following is an entry in ClinVar:

NM_003482.4(KMT2D):c.12995C>G (p.Thr4332Ser)

Gene: KMT2D (lysine methyltransferase 2D; minus strand). Cytogenetic location: 12q13.12.
Variant type: single nucleotide variant.
Coding change: c.12995C>G on transcript NM_003482.4 (MANE Select); coding-DNA position 12995, C replaced by G.
Protein change: p.Thr4332Ser; replaces threonine 4332 with serine.
Molecular consequence: missense variant.
Genome position (GRCh38, 1-based): chr12:49,031,710, G>C on the plus strand (C>G on the coding strand, the complement: KMT2D is on the minus strand). VCF-style: chr12-49031710-G-C. GRCh37 (hg19) VCF-style: chr12-49425493-G-C.
Other names: short protein forms T4332S.
Identifiers: ClinVar variation 1482584 (VCV001482584.8), dbSNP rs2120423171, ClinGen allele CA384708080.

ClinVar aggregate classification (germline): Uncertain significance (1 of 4 stars; one submission).

Conditions:
Kabuki syndrome. Also called: NIIKAWA-KUROKI SYNDROME; Kabuki make-up syndrome. Identifiers: Orphanet 2322, MedGen C0796004, MONDO:0016512.

Submission:

Labcorp Genetics (formerly Invitae), Labcorp
Classification: Uncertain significance for Kabuki syndrome. Last evaluated: 2020-11-10. Review status: criteria provided, single submitter. Criteria: Invitae Variant Classification Sherloc (09022015). Collection method: clinical testing. Allele origin: germline.
Comment: This sequence change replaces threonine with serine at codon 4332 of the KMT2D protein (p.Thr4332Ser). The threonine residue is weakly conserved and there is a small physicochemical difference between threonine and serine. This variant is not present in population databases (ExAC no frequency). This variant has not been reported in the literature in individuals with KMT2D-related conditions. Advanced modeling of protein sequence and biophysical properties (such as structural, functional, and spatial information, amino acid conservation, physicochemical variation, residue mobility, and thermodynamic stability) performed at Invitae indicates that this missense variant is not expected to disrupt KMT2D protein function. Algorithms developed to predict the effect of sequence changes on RNA splicing suggest that this variant may create or strengthen a splice site, but this prediction has not been confirmed by published transcriptional studies. In summary, the available evidence is currently insufficient to determine the role of this variant in disease. Therefore, it has been classified as a Variant of Uncertain Significance.